The following is an entry in ClinVar:

NM_001130053.5(EEF1D):c.1049C>T (p.Pro350Leu)

Gene: EEF1D (eukaryotic translation elongation factor 1 delta; minus strand). Cytogenetic location: 8q24.3.
Variant type: single nucleotide variant.
Coding change: c.1049C>T on transcript NM_001130053.5 (MANE Select); coding-DNA position 1049, C replaced by T.
Protein change: p.Pro350Leu; replaces proline 350 with leucine.
Molecular consequence: missense variant. On other transcripts: intron variant (8).
Genome position (GRCh38, 1-based): chr8:143,589,033, G>A on the plus strand (C>T on the coding strand, the complement: EEF1D is on the minus strand). VCF-style: chr8-143589033-G-A. GRCh37 (hg19) VCF-style: chr8-144671203-G-A.
Other names: c.1049C>T, p.Pro350Leu (NM_032378.7); c.-4-2184C>T (NM_001317743.4, NM_001289950.4, NM_001130055.4); c.-7-2181C>T (NM_001130056.5, NM_001195203.4, NM_001960.7 and 2 more transcripts); short protein forms P350L.
Identifiers: ClinVar variation 3506762 (VCV003506762.2).

ClinVar aggregate classification (germline): Uncertain significance. Review status: criteria provided, multiple submitters, no conflicts (2 of 4 stars). 2 submissions from 2 submitters: Uncertain significance (2). Last evaluated 2025-01-14.

gnomAD v4.1: 6 of 1,603,074 alleles (0.00037%); highest among the groups gnomAD compares: Admixed American, 0.005%; no homozygotes.

Submissions (2):

GeneDx
Classification: Uncertain significance. Last evaluated: 2025-01-14. Review status: criteria provided, single submitter. Criteria: GeneDx Variant Classification Process June 2021. Collection method: clinical testing. Allele origin: germline. Affected: yes.
Comment: Not observed at significant frequency in large population cohorts (gnomAD); In silico analysis indicates that this missense variant does not alter protein structure/function; Has not been previously published as pathogenic or benign to our knowledge

Ambry Genetics
Classification: Uncertain significance. Last evaluated: 2024-08-04. Review status: criteria provided, single submitter. Criteria: Ambry Variant Classification Scheme 2023. Collection method: clinical testing. Allele origin: germline.